The following is an entry in ClinVar:

ClinVar aggregate classification (germline): Likely benign (1 of 4 stars; one submission).

Conditions:
Marfan syndrome (MFS). Also called: MARFAN SYNDROME, TYPE I; Marfan syndrome type 1; Marfan's syndrome; Marfan syndrome, classic; FBN1-Related Marfan Syndrome. Identifiers: Orphanet 284963, Orphanet 558, MedGen C0024796, MONDO:0007947, OMIM 154700.

Submission:

All of Us Research Program, National Institutes of Health
Classification: Likely benign for Marfan syndrome. Last evaluated: 2023-05-16. Review status: criteria provided, single submitter. Criteria: ACMG Guidelines, 2015. Collection method: clinical testing. Allele origin: germline. Inheritance: Autosomal dominant inheritance. Observed: 1 variant allele, 1 heterozygote.
Comment: This study involves interpretation of variants in research participants for the purpose of population health screening. Participant phenotype was not available at the time of variant classification. Additional details can be found in publication PMID: 35346344, PMCID: PMC8962531

NM_000138.5(FBN1):c.3816T>C (p.Ser1272=)

Gene: FBN1 (fibrillin 1; minus strand). Cytogenetic location: 15q21.1.
Variant type: single nucleotide variant.
Coding change: c.3816T>C on transcript NM_000138.5 (MANE Select); coding-DNA position 3816, T replaced by C.
Protein change: p.Ser1272=; no amino-acid change (serine 1272 retained).
Molecular consequence: synonymous variant.
Genome position (GRCh38, 1-based): chr15:48,483,840, A>G on the plus strand (T>C on the coding strand, the complement: FBN1 is on the minus strand). VCF-style: chr15-48483840-A-G. GRCh37 (hg19) VCF-style: chr15-48776037-A-G.
Other names: c.3816T>C, p.Ser1272= (NM_001406716.1).
Identifiers: ClinVar variation 3071136 (VCV003071136.1), dbSNP rs2505540706, ClinGen allele CA490016961.
Genomic context (GRCh38, chr15:48,483,840, plus strand): 5'-AACAAGACAAGATGAAAAATTCTGTCTTCTTTGCTTACCTACACAAGTCTTCATGTCTTC[A>G]GATGCCATGAATCCATCATAACACAAGCACCTGTACTCTCCAGGGATATTTGTGCACTGA-3'
Protein context (NP_000129.3, residues 1262-1282): RCLCYDGFMA[Ser1272=]EDMKTCVDVN